The following is an entry in ClinVar:

NM_001358530.2(MOCS1):c.418+5G>A

Gene: MOCS1 (molybdenum cofactor synthesis 1; minus strand). Cytogenetic location: 6p21.2.
Variant type: single nucleotide variant.
Coding change: c.418+5G>A on transcript NM_001358530.2 (MANE Select); 5 bases into the intron after coding-DNA position 418, G replaced by A.
Molecular consequence: intron variant.
Genome position (GRCh38, 1-based): chr6:39,925,673, C>T on the plus strand (G>A on the coding strand, the complement: MOCS1 is on the minus strand). VCF-style: chr6-39925673-C-T. GRCh37 (hg19) VCF-style: chr6-39893417-C-T.
Other names: c.157+5G>A (NM_001358531.2, NM_001358533.2, NM_001358534.2); c.418+5G>A (NM_001358529.2, NM_001075098.4, NM_005943.6).
Identifiers: ClinVar variation 1803716 (VCV001803716.3), dbSNP rs2482398377, ClinGen allele CA2580074488.

ClinVar aggregate classification (germline): Uncertain significance (1 of 4 stars; one submission).

Conditions:
Sulfite oxidase deficiency due to molybdenum cofactor deficiency type A. Also called: Molybdenum cofactor deficiency, complementation group A; Molybdenum Cofactor Deficiency A. Identifiers: Orphanet 308386, Orphanet 833, MedGen C1854988, MONDO:0009643, OMIM 252150.

gnomAD v4.1: 1 of 1,612,826 alleles (0.000062%); highest among the groups gnomAD compares: Non-Finnish European, 0.000085%; no homozygotes.

Submission:

Illumina Laboratory Services, Illumina
Classification: Uncertain significance for Sulfite oxidase deficiency due to molybdenum cofactor deficiency type A. Last evaluated: 2022-03-11. Review status: criteria provided, single submitter. Criteria: ICSLVariantClassificationCriteria RUGD 01 April 2020. Collection method: clinical testing. Allele origin: unknown.
Comment: The MOCS1 c.418+5G>A variant occurs in a splice region and results in the substitution of a guanine at nucleotide position c.418+5 with an adenine. To our knowledge, this variant has not been reported in the peer-reviewed literature. This variant is not found in version 2.1.1 or version 3.1.2 of the Genome Aggregation Database. Based on the available evidence, the c.418+5G>A variant is classified as a variant of uncertain significance for molybdenum cofactor deficiency A.